The following is an entry in ClinVar:

NM_014639.4(SKIC3):c.4228T>C (p.Tyr1410His)

Gene: SKIC3 (SKI3 subunit of superkiller complex; minus strand). Cytogenetic location: 5q15.
Variant type: single nucleotide variant.
Coding change: c.4228T>C on transcript NM_014639.4 (MANE Select); coding-DNA position 4228, T replaced by C.
Protein change: p.Tyr1410His; replaces tyrosine 1410 with histidine.
Molecular consequence: missense variant.
Genome position (GRCh38, 1-based): chr5:95,478,427, A>G on the plus strand (T>C on the coding strand, the complement: SKIC3 is on the minus strand). VCF-style: chr5-95478427-A-G. GRCh37 (hg19) VCF-style: chr5-94814131-A-G.
Other names: short protein forms Y1410H.
Identifiers: ClinVar variation 1021235 (VCV001021235.8), dbSNP rs201755375, ClinGen allele CA3346450.

ClinVar aggregate classification (germline): Uncertain significance. Review status: criteria provided, multiple submitters, no conflicts (2 of 4 stars). 2 submissions from 2 submitters: Uncertain significance (2). Last evaluated 2025-05-12.

Allele frequency attached by ClinVar (database versions not stated): ExAC 0.00017; TOPMed 0.00015; 1000 Genomes Project 0.00020; gnomAD exomes 0.00026 and 0.00018; ESP Exome Variant Server 0.00008; gnomAD 0.00015; 1000 Genomes Project 30x 0.00016.
gnomAD v4.1: 399 of 1,613,896 alleles (0.025%); highest among the groups gnomAD compares: Middle Eastern, 0.033%; 1 homozygote.

Submissions (2):

ARUP Laboratories, Molecular Genetics and Genomics, ARUP Laboratories
Classification: Uncertain significance. Last evaluated: 2025-05-12. Review status: criteria provided, single submitter. Criteria: ARUP Molecular Germline Variant Investigation Process 2024. Collection method: clinical testing. Allele origin: germline.
Comment: The SKIC3 (previously known as TTC37) c.4228T>C; p.Tyr1410His variant (rs201755375), to our knowledge, is not reported in the medical literature but is reported in ClinVar (Variation ID: 1021235). This variant is observed in the general population with an overall allele frequency of 0.02% (47/282606 alleles) in the Genome Aggregation Database (v2.1.1). Computational analyses are uncertain whether this variant is neutral or deleterious (REVEL: 0.627). Due to limited information, the clinical significance of this variant is uncertain at this time.

Labcorp Genetics (formerly Invitae), Labcorp
Classification: Uncertain significance. Last evaluated: 2022-06-29. Review status: criteria provided, single submitter. Criteria: Invitae Variant Classification Sherloc (09022015). Collection method: clinical testing. Allele origin: germline.
Comment: This sequence change replaces tyrosine, which is neutral and polar, with histidine, which is basic and polar, at codon 1410 of the TTC37 protein (p.Tyr1410His). This variant is present in population databases (rs201755375, gnomAD 0.03%). This variant has not been reported in the literature in individuals affected with TTC37-related conditions. ClinVar contains an entry for this variant (Variation ID: 1021235). Algorithms developed to predict the effect of missense changes on protein structure and function (SIFT, PolyPhen-2, Align-GVGD) all suggest that this variant is likely to be disruptive. In summary, the available evidence is currently insufficient to determine the role of this variant in disease. Therefore, it has been classified as a Variant of Uncertain Significance.